The following is an entry in ClinVar:

NM_000836.4(GRIN2D):c.2861G>T (p.Gly954Val)

Gene: GRIN2D (glutamate ionotropic receptor NMDA type subunit 2D; plus strand). Cytogenetic location: 19q13.33.
Variant type: single nucleotide variant.
Coding change: c.2861G>T on transcript NM_000836.4 (MANE Select); coding-DNA position 2861, G replaced by T.
Protein change: p.Gly954Val; replaces glycine 954 with valine.
Molecular consequence: missense variant.
Genome position (GRCh38, 1-based): chr19:48,442,787, G>T. VCF-style: chr19-48442787-G-T. GRCh37 (hg19) VCF-style: chr19-48946044-G-T.
Other names: short protein forms G954V.
Identifiers: ClinVar variation 1346634 (VCV001346634.31), dbSNP rs1234739113, ClinGen allele CA406674018.

ClinVar aggregate classification (germline): Uncertain significance. Review status: criteria provided, multiple submitters, no conflicts (2 of 4 stars). 2 submissions from 2 submitters: Uncertain significance (2). Last evaluated 2025-01-13.

gnomAD v4.1: 1 of 1,070,972 alleles (0.000093%); highest among the groups gnomAD compares: Non-Finnish European, 0.00011%; no homozygotes.

Submissions (2):

Labcorp Genetics (formerly Invitae), Labcorp
Classification: Uncertain significance. Last evaluated: 2025-01-13. Review status: criteria provided, single submitter. Criteria: Invitae Variant Classification Sherloc (09022015). Collection method: clinical testing. Allele origin: germline.
Comment: This sequence change replaces glycine, which is neutral and non-polar, with valine, which is neutral and non-polar, at codon 954 of the GRIN2D protein (p.Gly954Val). The frequency data for this variant in the population databases is considered unreliable, as metrics indicate insufficient coverage at this position in the gnomAD database. This variant has not been reported in the literature in individuals affected with GRIN2D-related conditions. ClinVar contains an entry for this variant (Variation ID: 1346634). Invitae Evidence Modeling of protein sequence and biophysical properties (such as structural, functional, and spatial information, amino acid conservation, physicochemical variation, residue mobility, and thermodynamic stability) indicates that this missense variant is not expected to disrupt GRIN2D protein function with a negative predictive value of 95%. In summary, the available evidence is currently insufficient to determine the role of this variant in disease. Therefore, it has been classified as a Variant of Uncertain Significance.

CeGaT Center for Human Genetics Tuebingen
Classification: Uncertain significance. Last evaluated: 2022-10-01. Review status: criteria provided, single submitter. Criteria: CeGaT Center For Human Genetics Tuebingen Variant Classification Criteria Version 2. Collection method: clinical testing. Allele origin: germline. Affected: yes. Observed: 1 variant allele.
Comment: GRIN2D: PM2, PP2